The following is an entry in ClinVar:

ClinVar aggregate classification (germline): Uncertain significance. Review status: criteria provided, multiple submitters, no conflicts (2 of 4 stars). 8 submissions from 8 submitters: Uncertain significance (8). Last evaluated 2025-05-21.

Conditions:
Donnai-Barrow syndrome. Also called: FACIOOCULOACOUSTICORENAL SYNDROME; DBS/FOAR SYNDROME. Identifiers: Orphanet 2143, MedGen C1857277, MONDO:0009104, OMIM 222448.

Allele frequency attached by ClinVar (database versions not stated): gnomAD exomes 0.00005; ExAC 0.00009; gnomAD 0.00011 and 0.00012.
gnomAD v4.1: 367 of 1,613,228 alleles (0.023%); highest among the groups gnomAD compares: Non-Finnish European, 0.027%; no homozygotes.

Submissions (8):

GeneDx
Classification: Uncertain significance. Last evaluated: 2025-05-21. Review status: criteria provided, single submitter. Criteria: GeneDx Variant Classification Process June 2021. Collection method: clinical testing. Allele origin: germline. Affected: yes.
Comment: Not observed at significant frequency in large population cohorts (gnomAD); In silico analysis supports that this missense variant has a deleterious effect on protein structure/function; Has not been previously published as pathogenic or benign to our knowledge

Blueprint Genetics
Classification: Uncertain significance. Last evaluated: 2024-11-01. Review status: criteria provided, single submitter. Criteria: ACMG Guidelines, 2015. Collection method: clinical testing. Allele origin: germline.

Labcorp Genetics (formerly Invitae), Labcorp
Classification: Uncertain significance. Last evaluated: 2022-08-03. Review status: criteria provided, single submitter. Criteria: Invitae Variant Classification Sherloc (09022015). Collection method: clinical testing. Allele origin: germline.
Comment: This sequence change replaces asparagine, which is neutral and polar, with tyrosine, which is neutral and polar, at codon 826 of the LRP2 protein (p.Asn826Tyr). This variant is present in population databases (rs201591789, gnomAD 0.01%). This variant has not been reported in the literature in individuals affected with LRP2-related conditions. ClinVar contains an entry for this variant (Variation ID: 235243). Advanced modeling of protein sequence and biophysical properties (such as structural, functional, and spatial information, amino acid conservation, physicochemical variation, residue mobility, and thermodynamic stability) performed at Invitae indicates that this missense variant is expected to disrupt LRP2 protein function. In summary, the available evidence is currently insufficient to determine the role of this variant in disease. Therefore, it has been classified as a Variant of Uncertain Significance.

Department of Pathology and Laboratory Medicine, Sinai Health System
Classification: Uncertain significance for Donnai-Barrow syndrome. Last evaluated: 2021-07-30. Review status: criteria provided, single submitter. Criteria: ACMG Guidelines, 2015. Collection method: research. Allele origin: germline.

Genome-Nilou Lab
Classification: Uncertain significance for Donnai-Barrow syndrome. Last evaluated: 2021-07-15. Review status: criteria provided, single submitter. Criteria: ACMG Guidelines, 2015. Collection method: clinical testing. Allele origin: germline. Affected: no.

Illumina Laboratory Services, Illumina
Classification: Uncertain significance for Donnai-Barrow syndrome. Last evaluated: 2018-01-13. Review status: criteria provided, single submitter. Criteria: ICSL Variant Classification Criteria 13 December 2019. Collection method: clinical testing. Allele origin: germline.

Center for Pediatric Genomic Medicine, Children's Mercy Hospital and Clinics
Classification: Uncertain significance. Last evaluated: 2015-09-29. Review status: criteria provided, single submitter. Criteria: ACMG Guidelines, 2015. Collection method: clinical testing. Allele origin: germline.
ClinVar note: Converted during submission from Uncertain Significance to Uncertain significance.

Breakthrough Genomics
Classification: Uncertain significance. Review status: criteria provided, single submitter. Criteria: ACMG Guidelines, 2015. Collection method: not provided. Allele origin: germline. Inheritance: Autosomal recessive inheritance. Affected: yes.

NM_004525.3(LRP2):c.2476A>T (p.Asn826Tyr)

Gene: LRP2 (LDL receptor related protein 2; minus strand). Cytogenetic location: 2q31.1.
Variant type: single nucleotide variant.
Coding change: c.2476A>T on transcript NM_004525.3 (MANE Select); coding-DNA position 2476, A replaced by T.
Protein change: p.Asn826Tyr; replaces asparagine 826 with tyrosine.
Molecular consequence: missense variant.
Genome position (GRCh38, 1-based): chr2:169,259,062, T>A on the plus strand (A>T on the coding strand, the complement: LRP2 is on the minus strand). VCF-style: chr2-169259062-T-A. GRCh37 (hg19) VCF-style: chr2-170115572-T-A.
Other names: short protein forms N826Y.
Identifiers: ClinVar variation 235243 (VCV000235243.15), dbSNP rs201591789, ClinGen allele CA1955293.